The following is an entry in ClinVar:

ClinVar aggregate classification (germline): Pathogenic (1 of 4 stars; one submission).

Submission:

Labcorp Genetics (formerly Invitae), Labcorp
Classification: Pathogenic. Last evaluated: 2020-04-23. Review status: criteria provided, single submitter. Criteria: Invitae Variant Classification Sherloc (09022015). Collection method: clinical testing. Allele origin: germline.
Comment: This sequence change creates a premature translational stop signal (p.Lys265*) in the ABCB11 gene. It is expected to result in an absent or disrupted protein product. For these reasons, this variant has been classified as Pathogenic. Loss-of-function variants in ABCB11 are known to be pathogenic (PMID: 18395098, 20232290). This variant has not been reported in the literature in individuals with ABCB11-related conditions. This variant is not present in population databases (ExAC no frequency).

Literature cited by the submitters: PubMed 18395098; PubMed 20232290.

NM_003742.4(ABCB11):c.793A>T (p.Lys265Ter)

Gene: ABCB11 (ATP binding cassette subfamily B member 11; minus strand). Cytogenetic location: 2q31.1.
Variant type: single nucleotide variant.
Coding change: c.793A>T on transcript NM_003742.4 (MANE Select); coding-DNA position 793, A replaced by T.
Protein change: p.Lys265Ter; replaces lysine 265 with a stop codon.
Molecular consequence: nonsense.
Genome position (GRCh38, 1-based): chr2:168,990,916, T>A on the plus strand (A>T on the coding strand, the complement: ABCB11 is on the minus strand). VCF-style: chr2-168990916-T-A. GRCh37 (hg19) VCF-style: chr2-169847426-T-A.
Other names: short protein forms K265*.
Identifiers: ClinVar variation 1072770 (VCV001072770.7), dbSNP rs2106005174, ClinGen allele CA349125806.
Genomic context (GRCh38, chr2:168,990,916, plus strand): 5'-TGACTTCATCAGCCACCACCCCTGCTTTGGCATAGGCCTTCAGCTCATAGTCCGTAAACT[T>A]GGACACACTCTAAAAATCAAAAAGAAGAAAAGAAAATGTGAAGTCCAAGAAATTAGGTAA-3'